The following is an entry in ClinVar:

NM_016734.3(PAX5):c.763C>T (p.Pro255Ser)

Gene: PAX5 (paired box 5; minus strand). Cytogenetic location: 9p13.2.
Variant type: single nucleotide variant.
Coding change: c.763C>T on transcript NM_016734.3 (MANE Select); coding-DNA position 763, C replaced by T.
Protein change: p.Pro255Ser; replaces proline 255 with serine.
Molecular consequence: missense variant. On other transcripts: non-coding transcript variant (2).
Genome position (GRCh38, 1-based): chr9:36,966,566, G>A on the plus strand (C>T on the coding strand, the complement: PAX5 is on the minus strand). VCF-style: chr9-36966566-G-A. GRCh37 (hg19) VCF-style: chr9-36966563-G-A.
Other names: c.763C>T, p.Pro255Ser (NM_001280547.2, NM_001280548.2, NM_001280549.2 and 2 more transcripts); c.439C>T, p.Pro147Ser (NM_001280551.2, NM_001280556.2); c.634C>T, p.Pro212Ser (NM_001280553.2, NM_001280554.2); c.565C>T, p.Pro189Ser (NM_001280555.2); short protein forms P147S, P189S, P212S, P255S.
Identifiers: ClinVar variation 4131409 (VCV004131409.1).

ClinVar aggregate classification (germline): Uncertain significance (1 of 4 stars; one submission).

Conditions:
Inborn genetic diseases. Identifiers: MedGen C0950123, MeSH D030342.

Submission:

Ambry Genetics
Classification: Uncertain significance for Inborn genetic diseases. Last evaluated: 2025-07-05. Review status: criteria provided, single submitter. Criteria: Ambry Variant Classification Scheme 2023. Collection method: clinical testing. Allele origin: germline.
Comment: The p.P255S variant (also known as c.763C>T), located in coding exon 6 of the PAX5 gene, results from a C to T substitution at nucleotide position 763. The proline at codon 255 is replaced by serine, an amino acid with similar properties. This amino acid position is conserved. In addition, this alteration is predicted to be deleterious by in silico analysis. Based on the available evidence, the clinical significance of this variant remains unclear.